The following is an entry in ClinVar:

ClinVar aggregate classification (germline): Uncertain significance (1 of 4 stars; one submission).

gnomAD v4.1: 11 of 1,599,162 alleles (0.00069%); highest among the groups gnomAD compares: Non-Finnish European, 0.00094%; no homozygotes.

Submission:

GeneDx
Classification: Uncertain significance. Last evaluated: 2025-05-07. Review status: criteria provided, single submitter. Criteria: GeneDx Variant Classification Process June 2021. Collection method: clinical testing. Allele origin: germline. Affected: yes.
Comment: Reported previously in a cohort of patients with neurodevelopmental disorder; however, detailed clinical information and segregation not provided (PMID: 37500730); In silico analysis supports that this missense variant has a deleterious effect on protein structure/function; Not observed at significant frequency in large population cohorts (gnomAD); This variant is associated with the following publications: (PMID: 37500730)

NM_001330288.2(SMARCC2):c.1877C>T (p.Ala626Val)

Gene: SMARCC2 (SWI/SNF related BAF chromatin remodeling complex subunit C2; minus strand). Cytogenetic location: 12q13.2.
Variant type: single nucleotide variant.
Coding change: c.1877C>T on transcript NM_001330288.2 (MANE Select); coding-DNA position 1877, C replaced by T.
Protein change: p.Ala626Val; replaces alanine 626 with valine.
Molecular consequence: missense variant.
Genome position (GRCh38, 1-based): chr12:56,172,477, G>A on the plus strand (C>T on the coding strand, the complement: SMARCC2 is on the minus strand). VCF-style: chr12-56172477-G-A. GRCh37 (hg19) VCF-style: chr12-56566261-G-A.
Other names: c.1877C>T, p.Ala626Val (NM_001130420.3, NM_139067.4); c.1784C>T, p.Ala595Val (NM_003075.5); short protein forms A595V, A626V.
Identifiers: ClinVar variation 4529832 (VCV004529832.1).